The following is an entry in ClinVar:

NM_002230.4(JUP):c.1805G>A (p.Arg602His)

Gene: JUP (junction plakoglobin; minus strand). Cytogenetic location: 17q21.2.
Variant type: single nucleotide variant.
Coding change: c.1805G>A on transcript NM_002230.4 (MANE Select); coding-DNA position 1805, G replaced by A.
Protein change: p.Arg602His; replaces arginine 602 with histidine.
Molecular consequence: missense variant.
Genome position (GRCh38, 1-based): chr17:41,757,753, C>T on the plus strand (G>A on the coding strand, the complement: JUP is on the minus strand). VCF-style: chr17-41757753-C-T. GRCh37 (hg19) VCF-style: chr17-39914005-C-T.
Other names: c.1805G>A, p.Arg602His (NM_001352773.2, NM_001352774.2, NM_001352775.2 and 3 more transcripts); short protein forms R602H.
Identifiers: ClinVar variation 837260 (VCV000837260.15), dbSNP rs909955430, ClinGen allele CA290695704.

ClinVar aggregate classification (germline): Uncertain significance. Review status: criteria provided, multiple submitters, no conflicts (2 of 4 stars). 4 submissions from 4 submitters: Uncertain significance (4). Last evaluated 2024-11-05.

Conditions:
Cardiovascular phenotype. Identifiers: MedGen CN230736.
Naxos disease (NXD). Also called: CARDIOMYOPATHY, ARRHYTHMOGENIC RIGHT VENTRICULAR, WITH SKIN, HAIR, AND NAIL ABNORMALITIES; PALMOPLANTAR KERATODERMA WITH ARRHYTHMOGENIC RIGHT VENTRICULAR CARDIOMYOPATHY AND WOOLLY HAIR; WOOLLY HAIR, PALMOPLANTAR KERATODERMA, AND CARDIAC ABNORMALITIES; KERATOSIS PALMOPLANTARIS WITH ARRHYTHMOGENIC CARDIOMYOPATHY; MAL DE NAXOS. Identifiers: Orphanet 34217, MedGen C1832600, MONDO:0011017, OMIM 601214.
Arrhythmogenic right ventricular dysplasia 12. Also called: ARRHYTHMOGENIC RIGHT VENTRICULAR DYSPLASIA, FAMILIAL, 12. Identifiers: MedGen C1969081, MONDO:0012684, OMIM 611528.

Allele frequency attached by ClinVar (database versions not stated): gnomAD 0.00001; gnomAD exomes 0.00001; TOPMed 0.00001.
gnomAD v4.1: 15 of 1,612,128 alleles (0.00093%); highest among the groups gnomAD compares: Non-Finnish European, 0.0012%; no homozygotes.

Submissions (4):

Ambry Genetics
Classification: Uncertain significance for Cardiovascular phenotype. Last evaluated: 2024-11-05. Review status: criteria provided, single submitter. Criteria: Ambry Variant Classification Scheme 2023. Collection method: clinical testing. Allele origin: germline.
Comment: The p.R602H variant (also known as c.1805G>A), located in coding exon 10 of the JUP gene, results from a G to A substitution at nucleotide position 1805. The arginine at codon 602 is replaced by histidine, an amino acid with highly similar properties. This amino acid position is highly conserved in available vertebrate species. In addition, this alteration is predicted to be deleterious by in silico analysis. Since supporting evidence is limited at this time, the clinical significance of this alteration remains unclear.

GeneDx
Classification: Uncertain significance. Last evaluated: 2023-11-22. Review status: criteria provided, single submitter. Criteria: GeneDx Variant Classification Process June 2021. Collection method: clinical testing. Allele origin: germline. Affected: yes.
Comment: Not observed at significant frequency in large population cohorts (gnomAD); In silico analysis supports that this missense variant has a deleterious effect on protein structure/function; Has not been previously published as pathogenic or benign to our knowledge

Labcorp Genetics (formerly Invitae), Labcorp
Classification: Uncertain significance for Arrhythmogenic right ventricular dysplasia 12; Naxos disease. Last evaluated: 2023-08-23. Review status: criteria provided, single submitter. Criteria: Invitae Variant Classification Sherloc (09022015). Collection method: clinical testing. Allele origin: germline.
Comment: In summary, the available evidence is currently insufficient to determine the role of this variant in disease. Therefore, it has been classified as a Variant of Uncertain Significance. An algorithm developed to predict the effect of missense changes on protein structure and function (PolyPhen-2) suggests that this variant is likely to be disruptive. ClinVar contains an entry for this variant (Variation ID: 837260). This variant has not been reported in the literature in individuals affected with JUP-related conditions. This variant is present in population databases (no rsID available, gnomAD 0.002%). This sequence change replaces arginine, which is basic and polar, with histidine, which is basic and polar, at codon 602 of the JUP protein (p.Arg602His).

Centre for Mendelian Genomics, University Medical Centre Ljubljana
Classification: Uncertain significance for Naxos disease. Last evaluated: 2019-09-20. Review status: criteria provided, single submitter. Criteria: ACMG Guidelines, 2015. Collection method: clinical testing. Allele origin: unknown. Affected: yes.
Comment: This variant was classified as: Uncertain significance. The available evidence on this variant's pathogenicity is insufficient or conflicting. The following ACMG criteria were applied in classifying this variant: PP3.